The following is an entry in ClinVar:

NM_000093.5(COL5A1):c.*42C>G

Genes: COL5A1 (collagen type V alpha 1 chain; plus strand), LOC101448202 (uncharacterized LOC101448202; minus strand). Cytogenetic location: 9q34.3.
Variant type: single nucleotide variant.
Coding change: c.*42C>G on transcript NM_000093.5 (MANE Select); 42 bases downstream of the stop codon, C replaced by G.
Molecular consequence: 3 prime UTR variant.
Genome position (GRCh38, 1-based): chr9:134,842,345, C>G. VCF-style: chr9-134842345-C-G. GRCh37 (hg19) VCF-style: chr9-137734191-C-G.
Other names: c.*42C>G (NM_001278074.1).
Identifiers: ClinVar variation 365737 (VCV000365737.7), dbSNP rs374547961, ClinGen allele CA5320780.

ClinVar aggregate classification (germline): Likely benign (1 of 4 stars; one submission).

Conditions:
Ehlers-Danlos syndrome, classic type (cEDS). Identifiers: Orphanet 287, MedGen C4225429, MONDO:0007522.

Allele frequency attached by ClinVar (database versions not stated): ExAC 0.00034; gnomAD exomes 0.00036 and 0.00067; ESP Exome Variant Server 0.00038; gnomAD 0.00041 and 0.00043; TOPMed 0.00041.
gnomAD v4.1: 1,020 of 1,611,808 alleles (0.063%); highest among the groups gnomAD compares: Non-Finnish European, 0.081%; no homozygotes.

Submission:

Illumina Laboratory Services, Illumina
Classification: Likely benign for Ehlers-Danlos syndrome, classic type, 1. Last evaluated: 2018-01-12. Review status: criteria provided, single submitter. Criteria: ICSL Variant Classification Criteria 13 December 2019. Collection method: clinical testing. Allele origin: germline.
Comment: This variant was observed in the ICSL laboratory as part of a predisposition screen in an ostensibly healthy population. It had not been previously curated by ICSL or reported in the Human Gene Mutation Database (HGMD: prior to June 1st, 2018), and was therefore a candidate for classification through an automated scoring system. Utilizing variant allele frequency, disease prevalence and penetrance estimates, and inheritance mode, an automated score was calculated to assess if this variant is too frequent to cause the disease. Based on the score and internal cut-off values, a variant classified as likely benign is not then subjected to further curation. The score for this variant resulted in a classification of likely benign for this disease.